The following is an entry in ClinVar:

NM_000531.6(OTC):c.717+5G>A

Gene: OTC (ornithine transcarbamylase; plus strand). Cytogenetic location: Xp11.4.
Variant type: single nucleotide variant.
Coding change: c.717+5G>A on transcript NM_000531.6 (MANE Select); 5 bases into the intron after coding-DNA position 717, G replaced by A.
Molecular consequence: intron variant.
Genome position (GRCh38, 1-based): chrX:38,408,800, G>A. VCF-style: chrX-38408800-G-A. GRCh37 (hg19) VCF-style: chrX-38268053-G-A.
Identifiers: ClinVar variation 1106300 (VCV001106300.12), dbSNP rs747637190, ClinGen allele CA10385923.

ClinVar aggregate classification (germline): Conflicting classifications of pathogenicity. Review status: criteria provided, conflicting classifications (1 of 4 stars). 3 submissions from 3 submitters: Uncertain significance (2); Likely benign (1). Last evaluated 2025-11-10.

Conditions:
Ornithine carbamoyltransferase deficiency (OTCD). Also called: OTC DEFICIENCY; Ornithine Carbamoyltransferase Deficiency Disease; ORNITHINE TRANSCARBAMYLASE DEFICIENCY, HYPERAMMONEMIA DUE TO; ORNITHINE TRANSCARBAMYLASE DEFICIENCY. Identifiers: Orphanet 664, MedGen C0268542, MONDO:0010703, OMIM 311250.
Inborn genetic diseases. Identifiers: MedGen C0950123, MeSH D030342.

Allele frequency attached by ClinVar (database versions not stated): gnomAD exomes below 0.00001 and 0.00002; gnomAD 0.00001; TOPMed 0.00001; ExAC 0.00002.
gnomAD v4.1: 5 of 1,199,227 alleles (0.00042%); highest among the groups gnomAD compares: Admixed American, 0.0066%; no homozygotes.

Submissions (3):

Labcorp Genetics (formerly Invitae), Labcorp
Classification: Likely benign for Ornithine carbamoyltransferase deficiency. Last evaluated: 2025-11-10. Review status: criteria provided, single submitter. Criteria: Invitae Variant Classification Sherloc (09022015). Collection method: clinical testing. Allele origin: germline.

Color Diagnostics, LLC DBA Color Health
Classification: Uncertain significance for Ornithine carbamoyltransferase deficiency. Last evaluated: 2025-09-16. Review status: criteria provided, single submitter. Criteria: ACMG Guidelines, 2015. Collection method: clinical testing. Allele origin: germline.
Comment: This variant causes a G to A nucleotide substitution at the +5 position of intron 7 of the OTC gene. Splice site prediction tools predict that this variant may have a significant impact on RNA splicing. To our knowledge, RNA studies have not been reported for this variant. This variant has not been reported in individuals affected with OTC-related disorders in the literature. This variant has been identified in 4/205221 chromosomes in the general population by the Genome Aggregation Database (gnomAD). The available evidence is insufficient to determine the role of this variant in disease conclusively. Therefore, this variant is classified as a Variant of Uncertain Significance.

Ambry Genetics
Classification: Uncertain significance for Inborn genetic diseases. Last evaluated: 2018-03-12. Review status: criteria provided, single submitter. Criteria: Ambry Variant Classification Scheme 2023. Collection method: clinical testing. Allele origin: germline.
Comment: The c.717+5G>A intronic variant results from a G to A substitution 5 nucleotides after coding exon 7 in the OTC gene. This nucleotide position is well conserved in available vertebrate species. Using the BDGP and ESEfinder splice site prediction tools, this alteration is predicted to weaken the efficiency of the native splice donor site; however, direct evidence is unavailable. Since supporting evidence is limited at this time, the clinical significance of this alteration remains unclear.